The following is an entry in ClinVar:

ClinVar aggregate classification (germline): Pathogenic (1 of 4 stars; one submission).

Conditions:
Alstrom syndrome (ALMS). Identifiers: Orphanet 64, MedGen C0268425, MONDO:0008763, OMIM 203800.

Submission:

Labcorp Genetics (formerly Invitae), Labcorp
Classification: Pathogenic for Alstrom syndrome. Last evaluated: 2022-07-12. Review status: criteria provided, single submitter. Criteria: Invitae Variant Classification Sherloc (09022015). Collection method: clinical testing. Allele origin: germline.
Comment: This sequence change creates a premature translational stop signal (p.Lys3951Argfs*42) in the ALMS1 gene. It is expected to result in an absent or disrupted protein product. Loss-of-function variants in ALMS1 are known to be pathogenic (PMID: 17594715). For these reasons, this variant has been classified as Pathogenic. ClinVar contains an entry for this variant (Variation ID: 1075833). This variant has not been reported in the literature in individuals affected with ALMS1-related conditions. This variant is not present in population databases (gnomAD no frequency).

Literature cited by the submitters: PubMed 17594715.

NM_001378454.1(ALMS1):c.11849del (p.Lys3950fs)

Gene: ALMS1 (ALMS1 centrosome and basal body associated protein; plus strand). Cytogenetic location: 2p13.1.
Variant type: Deletion.
Coding change: c.11849del on transcript NM_001378454.1 (MANE Select); coding-DNA position 11849, one base deleted (A; older notation c.11849delA).
Protein change: p.Lys3950fs; shifts the reading frame from lysine 3950.
Molecular consequence: frameshift variant.
Genome position (GRCh38, 1-based): chr2:73,600,858, A deleted; the last of 6 consecutive A bases (chr2:73,600,853-73,600,858); deleting any one gives the same sequence. VCF-style (leftmost placement, unchanged base first): chr2-73600852-TA-T. GRCh37 (hg19) VCF-style: chr2-73827979-TA-T.
Other names: c.11852del, p.Lys3951fs (NM_015120.4); short protein forms K3950fs, K3951fs.
Identifiers: ClinVar variation 1075833 (VCV001075833.7), dbSNP rs765718672, ClinGen allele CA2499216268.